The following is an entry in ClinVar:

ClinVar aggregate classification (germline): Uncertain significance (1 of 4 stars; one submission).

Conditions:
Developmental and epileptic encephalopathy, 21 (DEE21). Also called: Early infantile epileptic encephalopathy 21. Identifiers: Orphanet 442835, MedGen C4014430, MONDO:0014360, OMIM 615833.

Allele frequency attached by ClinVar (database versions not stated): gnomAD exomes below 0.00001.

Submission:

Labcorp Genetics (formerly Invitae), Labcorp
Classification: Uncertain significance for Developmental and epileptic encephalopathy, 21. Last evaluated: 2022-03-31. Review status: criteria provided, single submitter. Criteria: Invitae Variant Classification Sherloc (09022015). Collection method: clinical testing. Allele origin: germline.
Comment: This variant has not been reported in the literature in individuals affected with NECAP1-related conditions. This variant is not present in population databases (gnomAD no frequency). This sequence change replaces methionine, which is neutral and non-polar, with valine, which is neutral and non-polar, at codon 143 of the NECAP1 protein (p.Met143Val). Algorithms developed to predict the effect of missense changes on protein structure and function are either unavailable or do not agree on the potential impact of this missense change (SIFT: "Not Available"; PolyPhen-2: "Benign"; Align-GVGD: "Not Available"). In summary, the available evidence is currently insufficient to determine the role of this variant in disease. Therefore, it has been classified as a Variant of Uncertain Significance.

NM_015509.4(NECAP1):c.427A>G (p.Met143Val)

Gene: NECAP1 (NECAP endocytosis associated 1; plus strand). Cytogenetic location: 12p13.31.
Variant type: single nucleotide variant.
Coding change: c.427A>G on transcript NM_015509.4 (MANE Select); coding-DNA position 427, A replaced by G.
Protein change: p.Met143Val; replaces methionine 143 with valine.
Molecular consequence: missense variant. On other transcripts: non-coding transcript variant (1).
Genome position (GRCh38, 1-based): chr12:8,092,719, A>G. VCF-style: chr12-8092719-A-G. GRCh37 (hg19) VCF-style: chr12-8245315-A-G.
Other names: short protein forms M143V.
Identifiers: ClinVar variation 2119939 (VCV002119939.4), dbSNP rs2498178841, ClinGen allele CA383799403.